The following is an entry in ClinVar:

NM_000018.4(ACADVL):c.604C>T (p.Leu202Phe)

Gene: ACADVL (acyl-CoA dehydrogenase very long chain; plus strand). Cytogenetic location: 17p13.1.
Variant type: single nucleotide variant.
Coding change: c.604C>T on transcript NM_000018.4 (MANE Select); coding-DNA position 604, C replaced by T.
Protein change: p.Leu202Phe; replaces leucine 202 with phenylalanine.
Molecular consequence: missense variant.
Genome position (GRCh38, 1-based): chr17:7,221,664, C>T. VCF-style: chr17-7221664-C-T. GRCh37 (hg19) VCF-style: chr17-7124983-C-T.
Other names: c.538C>T, p.Leu180Phe (NM_001033859.3); c.673C>T, p.Leu225Phe (NM_001270447.2); c.376C>T, p.Leu126Phe (NM_001270448.2); short protein forms L126F, L225F, L180F, L202F.
Identifiers: ClinVar variation 2182425 (VCV002182425.2), dbSNP rs2071234346, ClinGen allele CA397723262.

ClinVar aggregate classification (germline): Likely pathogenic (1 of 4 stars; one submission).

Conditions:
Very long chain acyl-CoA dehydrogenase deficiency (ACADVLD). Also called: Very Long-Chain Acyl-Coenzyme A Dehydrogenase Deficiency; VLCAD Deficiency. Identifiers: Orphanet 26793, MedGen C3887523, MONDO:0008723, OMIM 201475.

Submission:

Labcorp Genetics (formerly Invitae), Labcorp
Classification: Likely pathogenic for Very long chain acyl-CoA dehydrogenase deficiency. Last evaluated: 2022-10-31. Review status: criteria provided, single submitter. Criteria: Invitae Variant Classification Sherloc (09022015). Collection method: clinical testing. Allele origin: germline.
Comment: In summary, the currently available evidence indicates that the variant is pathogenic, but additional data are needed to prove that conclusively. Therefore, this variant has been classified as Likely Pathogenic. This variant disrupts the p.Leu202 amino acid residue in ACADVL. Other variant(s) that disrupt this residue have been determined to be pathogenic (PMID: 30194637, 32793418). This suggests that this residue is clinically significant, and that variants that disrupt this residue are likely to be disease-causing. Advanced modeling of protein sequence and biophysical properties (such as structural, functional, and spatial information, amino acid conservation, physicochemical variation, residue mobility, and thermodynamic stability) performed at Invitae indicates that this missense variant is expected to disrupt ACADVL protein function. This variant has not been reported in the literature in individuals affected with ACADVL-related conditions. This variant is not present in population databases (gnomAD no frequency). This sequence change replaces leucine, which is neutral and non-polar, with phenylalanine, which is neutral and non-polar, at codon 202 of the ACADVL protein (p.Leu202Phe).

Literature cited by the submitters: PubMed 30194637; PubMed 32793418.